The following is an entry in ClinVar:

NM_005219.5(DIAPH1):c.1766C>G (p.Pro589Arg)

Gene: DIAPH1 (diaphanous related formin 1; minus strand). Cytogenetic location: 5q31.3.
Variant type: single nucleotide variant.
Coding change: c.1766C>G on transcript NM_005219.5 (MANE Select); coding-DNA position 1766, C replaced by G.
Protein change: p.Pro589Arg; replaces proline 589 with arginine.
Molecular consequence: missense variant.
Genome position (GRCh38, 1-based): chr5:141,574,084, G>C on the plus strand (C>G on the coding strand, the complement: DIAPH1 is on the minus strand). VCF-style: chr5-141574084-G-C. GRCh37 (hg19) VCF-style: chr5-140953651-G-C.
Other names: c.1739C>G, p.Pro580Arg (NM_001079812.3); c.1766C>G, p.Pro589Arg (NM_001314007.2); short protein forms P589R, P580R.
Identifiers: ClinVar variation 4794233 (VCV004794233.1).

ClinVar aggregate classification (germline): Uncertain significance (1 of 4 stars; one submission).

Conditions:
Autosomal dominant nonsyndromic hearing loss 1. Also called: DEAFNESS, AUTOSOMAL DOMINANT 1, WITH OR WITHOUT THROMBOCYTOPENIA; KONIGSMARK SYNDROME. Identifiers: Orphanet 90635, MedGen C1852282, MONDO:0007424, OMIM 124900.
Progressive microcephaly-seizures-cortical blindness-developmental delay syndrome. Also called: Seizures, cortical blindness, and microcephaly syndrome. Identifiers: Orphanet 477814, MedGen C5567650, MONDO:0014714, OMIM 616632.

gnomAD v4.1: 5 of 1,612,962 alleles (0.00031%); highest among the groups gnomAD compares: African/African-American, 0.004%; no homozygotes.

Submission:

Labcorp Genetics (formerly Invitae), Labcorp
Classification: Uncertain significance for Progressive microcephaly-seizures-cortical blindness-developmental delay syndrome; Autosomal dominant nonsyndromic hearing loss 1. Last evaluated: 2025-10-07. Review status: criteria provided, single submitter. Criteria: Invitae Variant Classification Sherloc (09022015). Collection method: clinical testing. Allele origin: germline.
Comment: This sequence change replaces proline, which is neutral and non-polar, with arginine, which is basic and polar, at codon 589 of the DIAPH1 protein (p.Pro589Arg). This variant is present in population databases (no rsID available, gnomAD 0.0009%). This variant has not been reported in the literature in individuals affected with DIAPH1-related conditions. Experimental studies and prediction algorithms are not available or were not evaluated, and the functional significance of this variant is currently unknown. In summary, the available evidence is currently insufficient to determine the role of this variant in disease. Therefore, it has been classified as a Variant of Uncertain Significance.